The following is an entry in ClinVar:

ClinVar aggregate classification (germline): Uncertain significance. Review status: criteria provided, multiple submitters, no conflicts (2 of 4 stars). 2 submissions from 2 submitters: Uncertain significance (2). Last evaluated 2025-08-27.

Conditions:
Inborn genetic diseases. Identifiers: MedGen C0950123, MeSH D030342.

gnomAD v4.1: 22 of 1,611,126 alleles (0.0014%); highest among the groups gnomAD compares: Non-Finnish European, 0.0017%; 1 homozygote.

Submissions (2):

Ambry Genetics
Classification: Uncertain significance for Inborn genetic diseases. Last evaluated: 2025-08-27. Review status: criteria provided, single submitter. Criteria: Ambry Variant Classification Scheme 2023. Collection method: clinical testing. Allele origin: germline.

Labcorp Genetics (formerly Invitae), Labcorp
Classification: Uncertain significance. Last evaluated: 2024-06-08. Review status: criteria provided, single submitter. Criteria: Invitae Variant Classification Sherloc (09022015). Collection method: clinical testing. Allele origin: germline.
Comment: This sequence change replaces arginine, which is basic and polar, with histidine, which is basic and polar, at codon 721 of the COMP protein (p.Arg721His). This variant is present in population databases (rs751668619, gnomAD 0.006%). This variant has not been reported in the literature in individuals affected with COMP-related conditions. Advanced modeling of protein sequence and biophysical properties (such as structural, functional, and spatial information, amino acid conservation, physicochemical variation, residue mobility, and thermodynamic stability) performed at Invitae indicates that this missense variant is expected to disrupt COMP protein function with a positive predictive value of 80%. In summary, the available evidence is currently insufficient to determine the role of this variant in disease. Therefore, it has been classified as a Variant of Uncertain Significance.

NM_000095.3(COMP):c.2162G>A (p.Arg721His)

Gene: COMP (cartilage oligomeric matrix protein; minus strand). Cytogenetic location: 19p13.11.
Variant type: single nucleotide variant.
Coding change: c.2162G>A on transcript NM_000095.3 (MANE Select); coding-DNA position 2162, G replaced by A.
Protein change: p.Arg721His; replaces arginine 721 with histidine.
Molecular consequence: missense variant.
Genome position (GRCh38, 1-based): chr19:18,783,119, C>T on the plus strand (G>A on the coding strand, the complement: COMP is on the minus strand). VCF-style: chr19-18783119-C-T. GRCh37 (hg19) VCF-style: chr19-18893929-C-T.
Other names: c.2162G>A (NM_000095.2); short protein forms R721H.
Identifiers: ClinVar variation 3710311 (VCV003710311.3).
Genomic context (GRCh38, chr19:18,783,119, plus strand): 5'-CAGCGGTAACGCAGGTTGGCCCAGATGATGTTCTCCTGGGAGAAGCAGAAGACCCCCAGG[C>T]GGCCACCCCGCATGGTTGTGTCCAAGACCACGTTGCTGTCGGCCACCAGCTCAGGGCCCT-3'
Protein context (NP_000086.2, residues 711-731): VVLDTTMRGG[Arg721His]LGVFCFSQEN